The following is an entry in ClinVar:

ClinVar aggregate classification (germline): Uncertain significance (1 of 4 stars; one submission).

Conditions:
X-linked dystonia-parkinsonism (DYT3). Also called: Lubag; DYT-TAF1; TORSION DYSTONIA-PARKINSONISM, FILIPINO TYPE. Identifiers: Orphanet 53351, MedGen C1839130, MONDO:0010747, OMIM 314250.

Submission:

Baylor Genetics
Classification: Uncertain significance for X-linked dystonia-parkinsonism. Last evaluated: 2019-11-20. Review status: criteria provided, single submitter. Criteria: ACMG Guidelines, 2015. Collection method: clinical testing. Allele origin: unknown. Affected: yes.
Comment: This variant was determined to be of uncertain significance according to ACMG Guidelines, 2015 [PMID:25741868].

NM_004606.5(TAF1):c.1474A>T (p.Met492Leu)

Gene: TAF1 (TATA-box binding protein associated factor 1; plus strand). Cytogenetic location: Xq13.1.
Variant type: single nucleotide variant.
Coding change: c.1474A>T on transcript NM_004606.5 (MANE Select); coding-DNA position 1474, A replaced by T.
Protein change: p.Met492Leu; replaces methionine 492 with leucine.
Molecular consequence: missense variant. On other transcripts: non-coding transcript variant (9).
Genome position (GRCh38, 1-based): chrX:71,381,856, A>T. VCF-style: chrX-71381856-A-T. GRCh37 (hg19) VCF-style: chrX-70601706-A-T.
Other names: c.1474A>T, p.Met492Leu (NM_001286074.2); c.1411A>T, p.Met471Leu (NM_138923.4); short protein forms M471L, M492L.
Identifiers: ClinVar variation 1028275 (VCV001028275.1), dbSNP rs2033909793, ClinGen allele CA413512908.
Genomic context (GRCh38, chrX:71,381,856, plus strand): 5'-GACAATGAGGATCTGGTATATGGACGCTGGGAGGACAATATCATTTGGGATGCTCAGGCC[A>T]TGCCCCGGCTGTTGGAACCTCCTGTTTTGACACTTGATCCCAATGATGAGAACCTCATTT-3'
Protein context (NP_004597.3, residues 482-502): EDNIIWDAQA[Met492Leu]PRLLEPPVLT